The following is an entry in ClinVar:

NM_001244008.2(KIF1A):c.946C>T (p.Arg316Trp)

Gene: KIF1A (kinesin family member 1A; minus strand). Cytogenetic location: 2q37.3.
Variant type: single nucleotide variant.
Coding change: c.946C>T on transcript NM_001244008.2 (MANE Select); coding-DNA position 946, C replaced by T.
Protein change: p.Arg316Trp; replaces arginine 316 with tryptophan.
Molecular consequence: missense variant.
Genome position (GRCh38, 1-based): chr2:240,775,863, G>A on the plus strand (C>T on the coding strand, the complement: KIF1A is on the minus strand). VCF-style: chr2-240775863-G-A. GRCh37 (hg19) VCF-style: chr2-241715280-G-A.
Other names: c.946C>T, p.Arg316Trp (NM_001320705.2, NM_001330289.2, NM_001330290.2 and 20 more transcripts); short protein forms R316W.
Identifiers: ClinVar variation 162060 (VCV000162060.71), dbSNP rs672601370, ClinGen allele CA212636.
Genomic context (GRCh38, chr2:240,775,863, plus strand): 5'-CAGGGTGGGATCAGAGCCCTGGGGACAGGCAAACCCACAAGTTCTCACCCAGGTTTTCCC[G>A]GAGGAGCCAGGTCAACACGGAATCTCGGTACGGAATGAAATCTGTCTTCTTCTTTTTCTT-3'
Protein context (NP_001230937.1, residues 306-326): YRDSVLTWLL[Arg316Trp]ENLGGNSRTA

ClinVar aggregate classification (germline): Pathogenic/Likely pathogenic. Review status: criteria provided, multiple submitters, no conflicts (2 of 4 stars). 18 submissions from 17 submitters: Pathogenic (16); Likely pathogenic (1). 1 of the submissions does not count toward it. Last evaluated 2025-08-26.

Conditions:
KIF1A-related disorder. Also called: KIF1A-related disorders; KIF1A-related condition.
Inborn genetic diseases. Identifiers: MedGen C0950123, MeSH D030342.
Neuropathy, hereditary sensory, type 2C. Also called: KIF1A-Related HSAN2 (HSAN2C); Hereditary sensory and autonomic neuropathy type IIC. Identifiers: Orphanet 970, MedGen C3280168, MONDO:0013634, OMIM 614213.
Intellectual disability, autosomal dominant 9 (NESCAVS). Also called: KIF1A-Related Neurodevelopmental Disorder; NESCAV SYNDROME. Identifiers: Orphanet 662367, MedGen C5393830, MONDO:0013656, OMIM 614255.
Hereditary spastic paraplegia 30. Identifiers: Orphanet 101010, MedGen C5235139, MONDO:0012476.
Hereditary spastic paraplegia. Also called: Familial spastic paraparesis. Identifiers: Orphanet 685, MedGen C0037773, MONDO:0019064. Disease mechanism: loss of function.
Neuropathy, hereditary sensory and autonomic, type 2A (HSAN2A). Also called: WNK1-Related HSAN2 (HSAN2A); MORVAN DISEASE; NEUROPATHY, CONGENITAL SENSORY; NEUROPATHY, HEREDITARY SENSORY RADICULAR, AUTOSOMAL RECESSIVE; NEUROPATHY, HEREDITARY SENSORY, TYPE IIA; NEUROPATHY, PROGRESSIVE SENSORY, OF CHILDREN. Identifiers: Orphanet 970, MedGen C2752089, MONDO:0024309, OMIM 201300.

Submissions 1 to 9 of 18:

Variantyx, Inc.
Classification: Pathogenic for Intellectual disability, autosomal dominant 9. Last evaluated: 2025-08-26. Review status: criteria provided, single submitter. Criteria: Variantyx Assertion Criteria 2022. Collection method: clinical testing. Allele origin: de novo. Inheritance: Autosomal dominant inheritance. Affected: yes.
Comment: This is a nonsynonymous variant in the KIF1A gene (OMIM: 601255). Pathogenic variants in this gene have been associated with autosomal dominant NESCAV syndrome. Functional studies have shown that this variant alters KIF1A protein function (PMID: 33880452) (PS3), and multiple computational algorithms predict a deleterious effect for this variant (REVEL score: 0.909) (PP3). Moreover, an alternate amino acid change at this position (p.Arg316Gln) has been previously reported in similarly affected individuals, which suggests that this residue is biologically important (PMID: 32935419, 33880452) (PM5). This variant is absent from control populations (PM2). Based on the current evidence, this variant is classified as pathogenic for autosomal dominant NESCAV syndrome.

3billion
Classification: Pathogenic for Intellectual disability, autosomal dominant 9. Last evaluated: 2025-07-01. Review status: criteria provided, single submitter. Criteria: ACMG Guidelines, 2015. Collection method: clinical testing. Allele origin: germline. Affected: yes.
Comment: The variant is not observed in the gnomAD v4.1.0 dataset. Predicted Consequence/Location: The variant is located in a mutational hot spot and/or well-established functional domain in which established pathogenic variants have been reported (PMID: 31488895). In silico tool predictions suggest damaging effect of the variant on gene or gene product [REVEL: 0.91 (>=0.6, sensitivity 0.68 and specificity 0.92); 3Cnet: 0.99 (> 0.75, sensitivity 0.96 and precision 0.92)]. The same nucleotide change resulting in the same amino acid change has been previously reported as pathogenic/likely pathogenic with strong evidence (ClinVar ID: VCV000162060 /PMID: 25265257 /3billion dataset). The variant has been previously reported as de novo in a similarly affected individual (PMID: 26354034). A different missense change at the same codon (p.Arg316Gln) have been reported as pathogenic/likely pathogenic with strong evidence (ClinVar ID: VCV000373642 /PMID: 32935419 /3billion dataset). Therefore, this variant is classified as Pathogenic according to the recommendation of ACMG/AMP guideline.

Institute of Human Genetics Munich, TUM University Hospital
Classification: Pathogenic for Intellectual disability, autosomal dominant 9. Last evaluated: 2024-02-26. Review status: criteria provided, single submitter. Criteria: Classification criteria August 2017. Collection method: clinical testing. Allele origin: de novo. Inheritance: Autosomal dominant inheritance. Affected: yes. Observed: 1 variant allele.

Duke University Health System Sequencing Clinic, Duke University Health System
Classification: Pathogenic for Intellectual disability, autosomal dominant 9. Last evaluated: 2023-04-20. Review status: criteria provided, single submitter. Criteria: ACMG Guidelines, 2015. Collection method: research. Allele origin: de novo. Affected: yes.

Labcorp Genetics (formerly Invitae), Labcorp
Classification: Pathogenic for Hereditary spastic paraplegia 30; Neuropathy, hereditary sensory, type 2C; Intellectual disability, autosomal dominant 9. Last evaluated: 2022-08-10. Review status: criteria provided, single submitter. Criteria: Invitae Variant Classification Sherloc (09022015). Collection method: clinical testing. Allele origin: germline.
Comment: For these reasons, this variant has been classified as Pathogenic. Advanced modeling of protein sequence and biophysical properties (such as structural, functional, and spatial information, amino acid conservation, physicochemical variation, residue mobility, and thermodynamic stability) performed at Invitae indicates that this missense variant is expected to disrupt KIF1A protein function. ClinVar contains an entry for this variant (Variation ID: 162060). This missense change has been observed in individual(s) with autosomal dominant KIF1A-related conditions (PMID: 25265257, 26125038, 26354034). In at least one individual the variant was observed to be de novo. This variant is not present in population databases (gnomAD no frequency). This sequence change replaces arginine, which is basic and polar, with tryptophan, which is neutral and slightly polar, at codon 316 of the KIF1A protein (p.Arg316Trp).

Victorian Clinical Genetics Services, Murdoch Childrens Research Institute
Classification: Pathogenic for Intellectual disability, autosomal dominant 9. Last evaluated: 2022-02-02. Review status: criteria provided, single submitter. Criteria: ACMG Guidelines, 2015. Collection method: clinical testing. Allele origin: germline. Inheritance: Autosomal dominant inheritance. Affected: yes.
Comment: Based on the classification scheme VCGS_Germline_v1.3.4, this variant is classified as Pathogenic. Following criteria are met: 0103 - Dominant negative, loss of function and gain of function are known mechanisms of disease in this gene. Dominant negative effect has been shown to cause NESCAV syndrome (MIM#614255; OMIM). Both loss and gain of function mechanisms have been reported for variants causing spastic paraplegia (MIM#610357, MIM#610357) and hereditary sensory and autonomic neuropathy type 2 (HSAN2; MIM#614213) (PMID 31488895, 31455732). (I) 0108 - This gene is known to be associated with both recessive and dominant disease. Genotype-phenotype correlation is currently unestablished. Missense variants tend to cluster within the kinesin motor domain and have been reported for both SPG30 and NESCAV syndrome. Only the correlation for HSAN2 (MIM#614213) is established with all patients except for one, carrying null variants outside the motor domain (PMID: 32737135). (I) 0200 - Variant is predicted to result in a missense amino acid change from arginine to tryptophan. (I) 0251 - This variant is heterozygous. (I) 0301 - Variant is absent from gnomAD (both v2 and v3). (SP) 0501 - Missense variant consistently predicted to be damaging by multiple in silico tools or highly conserved with a major amino acid change. (SP) 0603 - Missense variant in a region that is highly intolerant to missense variation (high constraint region in DECIPHER). (SP) 0801 - This variant has strong previous evidence of pathogenicity in unrelated individuals. It has been found as a de novo variant in several NESCAV patients and has been classified as pathogenic by diagnostic laboratories in ClinVar (PMID: 25265257, 26354034, 31700678). (SP) 1208 - Inheritance information for this variant is not currently available in this individual. (I) Legend: (SP) - Supporting pathogenic, (I) - Information, (SB) - Supporting benign

GeneDx
Classification: Pathogenic. Last evaluated: 2022-01-21. Review status: criteria provided, single submitter. Criteria: GeneDx Variant Classification Process June 2021. Collection method: clinical testing. Allele origin: germline. Affected: yes.
Comment: Not observed in large population cohorts (gnomAD); In silico analysis, which includes protein predictors and evolutionary conservation, supports a deleterious effect; This variant is associated with the following publications: (PMID: 28554332, 25265257, 26354034, 26125038, 31216405, 21820098, 21376300, 32860008, 31805580, 30612907, 33880452)

Blueprint Genetics
Classification: Pathogenic for KIF1A-related disorders. Last evaluated: 2021-11-03. Review status: criteria provided, single submitter. Criteria: ACMG Guidelines, 2015. Collection method: clinical testing. Allele origin: de novo. Affected: yes. Observed: 3 variant alleles.

CeGaT Center for Human Genetics Tuebingen
Classification: Pathogenic. Last evaluated: 2021-09-01. Review status: criteria provided, single submitter. Criteria: CeGaT Center For Human Genetics Tuebingen Variant Classification Criteria Version 2. Collection method: clinical testing. Allele origin: germline. Affected: yes. Observed: 1 variant allele.